The following is an entry in ClinVar:

NM_000264.5(PTCH1):c.4163G>T (p.Gly1388Val)

Gene: PTCH1 (patched 1; minus strand). Cytogenetic location: 9q22.32.
Variant type: single nucleotide variant.
Coding change: c.4163G>T on transcript NM_000264.5 (MANE Select); coding-DNA position 4163, G replaced by T.
Protein change: p.Gly1388Val; replaces glycine 1388 with valine.
Molecular consequence: missense variant. On other transcripts: non-coding transcript variant (1).
Genome position (GRCh38, 1-based): chr9:95,447,093, C>A on the plus strand (G>T on the coding strand, the complement: PTCH1 is on the minus strand). VCF-style: chr9-95447093-C-A. GRCh37 (hg19) VCF-style: chr9-98209375-C-A.
Other names: c.3965G>T, p.Gly1322Val (NM_001083602.3); c.4160G>T, p.Gly1387Val (NM_001083603.3); c.3710G>T, p.Gly1237Val (NM_001083604.3, NM_001083605.3, NM_001083606.3 and 1 more transcripts); c.4007G>T, p.Gly1336Val (NM_001354918.2); short protein forms G1237V, G1322V, G1336V, G1387V, G1388V.
Identifiers: ClinVar variation 4862640 (VCV004862640.1).
Genomic context (GRCh38, chr9:95,447,093, plus strand): 5'-AGGCCGTGGTCAGTCTCAGGGTAGCCTGGGCAGAGTCCCCCTCGGGGGTTCCGCCCAGGC[C>A]CAGGGACAGGCGGCGGGTGCACGGCGACAGTCACGGAGGCAGAAGCCGTCACAGTGGTGA-3'
Protein context (NP_000255.2, residues 1378-1398): TVAVHPPPVP[Gly1388Val]PGRNPRGGLC

ClinVar aggregate classification (germline): Uncertain significance (1 of 4 stars; one submission).

Conditions:
Hereditary cancer-predisposing syndrome. Also called: Neoplastic Syndromes, Hereditary; Tumor predisposition; Hereditary Cancer Syndrome; Hereditary neoplastic syndrome. Identifiers: Orphanet 140162, MedGen C0027672, MeSH D009386, MONDO:0015356.

Submission:

Ambry Genetics
Classification: Uncertain significance for Hereditary cancer-predisposing syndrome. Last evaluated: 2026-03-16. Review status: criteria provided, single submitter. Criteria: Ambry Variant Classification Scheme 2023. Collection method: clinical testing. Allele origin: germline.
Comment: The p.G1388V variant (also known as c.4163G>T), located in coding exon 23 of the PTCH1 gene, results from a G to T substitution at nucleotide position 4163. The glycine at codon 1388 is replaced by valine, an amino acid with dissimilar properties. This amino acid position is conserved. In addition, the in silico prediction for this alteration is inconclusive. Based on the available evidence, the clinical significance of this variant remains unclear.